The following is an entry in ClinVar:

NM_025074.7(FRAS1):c.10540+18_10540+31del

Gene: FRAS1 (Fraser extracellular matrix complex subunit 1; plus strand). Cytogenetic location: 4q21.21.
Variant type: Deletion.
Coding change: c.10540+18_10540+31del on transcript NM_025074.7 (MANE Select); bases 18 to 31 of the intron after coding-DNA position 10540, 14 bases deleted (TTAACTATCCCTTT).
Molecular consequence: intron variant.
Genome position (GRCh38, 1-based): chr4:78,519,499-78,519,512, TTAACTATCCCTTT deleted. VCF-style (leftmost placement, unchanged base first): chr4-78519498-CTTAACTATCCCTTT-C. GRCh37 (hg19) VCF-style: chr4-79440652-CTTAACTATCCCTTT-C.
Other names: c.10540+18_10540+31del14 (NM_025074.7).
Identifiers: ClinVar variation 1901650 (VCV001901650.6), dbSNP rs776252267, ClinGen allele CA2978990.

ClinVar aggregate classification (germline): Likely benign. Review status: criteria provided, multiple submitters, no conflicts (2 of 4 stars). 2 submissions from 2 submitters: Likely benign (2). Last evaluated 2026-01-16.

Allele frequency attached by ClinVar (database versions not stated): ExAC 0.00003; gnomAD exomes 0.00003; gnomAD 0.00004; TOPMed 0.00009.

Submissions (2):

Labcorp Genetics (formerly Invitae), Labcorp
Classification: Likely benign. Last evaluated: 2026-01-16. Review status: criteria provided, single submitter. Criteria: Invitae Variant Classification Sherloc (09022015). Collection method: clinical testing. Allele origin: germline.

Women's Health and Genetics/Laboratory Corporation of America, LabCorp
Classification: Likely benign. Last evaluated: 2025-09-24. Review status: criteria provided, single submitter. Criteria: LabCorp Variant Classification Summary - May 2015. Collection method: clinical testing. Allele origin: germline.
Comment: Variant summary: FRAS1 c.10540+18_10540+31del14 alters a nucleotide located at a position not widely known to affect splicing. Consensus agreement among computation tools predict no significant impact on normal splicing. However, these predictions have yet to be confirmed by functional studies. The variant allele was found at a frequency of 3.4e-05 in 236764 control chromosomes. The available data on variant occurrences in the general population are insufficient to allow any conclusion about variant significance. To our knowledge, no occurrence of c.10540+18_10540+31del14 in individuals affected with FRAS1-related conditions and no experimental evidence demonstrating its impact on protein function have been reported. ClinVar contains an entry for this variant (Variation ID: 1901650). Based on the evidence outlined above, the variant was classified as likely benign.